The following continues an entry in ClinVar:

NM_001329943.3(KIAA0586):c.392del (p.Arg131fs)

Gene: KIAA0586. ClinVar aggregate classification (germline): Pathogenic/Likely pathogenic. Pathogenic (36); Likely pathogenic (2).

Submissions 40 to 48 of 48:

Reproductive Health Research and Development, BGI Genomics
Classification: Pathogenic for Joubert syndrome. Last evaluated: 2020-01-06. Review status: no assertion criteria provided. Collection method: curation. Allele origin: germline. Not counted in ClinVar's aggregate classification.
Comment: NM_001244189.1:c.428delG in the KIAA0586 gene has an allele frequency of 0.008 in Ashkenazi Jewish subpopulation in the gnomAD database.This variant is located in the 3rd exon (a total of 34 exons in the NM_001244189.1 transcript), therefore, it predicted to result in nonsense-mediated mRNA decay. It was detected in multiple individuals with autosomal recessive Joubert syndrome, compound heterozygous with c.2512C>T (p.Arg838*), c.1413-1G>C, respectively (PMID: 26386247; 26096313).Taken together, we interprete this variant as Pathogenic/Likely pathogenic. ACMG/AMP criteria applied: PVS1; PM3_Strong.

OMIM
Classification: Pathogenic for JOUBERT SYNDROME 23. Last evaluated: 2015-06-11. Review status: no assertion criteria provided. Collection method: literature only. Allele origin: germline. Not counted in ClinVar's aggregate classification.

Clinical Genetics DNA and cytogenetics Diagnostics Lab, Erasmus MC, Erasmus Medical Center
Classification: Pathogenic. Review status: no assertion criteria provided. Collection method: clinical testing. Allele origin: germline. Affected: yes. Study: VKGL Data-share Consensus. Not counted in ClinVar's aggregate classification.

Diagnostic Laboratory, Department of Genetics, University Medical Center Groningen
Classification: Pathogenic. Review status: no assertion criteria provided. Collection method: clinical testing. Allele origin: germline. Affected: yes. Study: VKGL Data-share Consensus. Not counted in ClinVar's aggregate classification.

GeneReviews
No classification provided. Condition: Joubert syndrome 23. Review status: no classification provided. Collection method: literature only. Allele origin: germline. Not counted in ClinVar's aggregate classification.

Genome Diagnostics Laboratory, University Medical Center Utrecht
Classification: Pathogenic. Review status: no assertion criteria provided. Collection method: clinical testing. Allele origin: germline. Affected: yes. Study: VKGL Data-share Consensus. Not counted in ClinVar's aggregate classification.

Joint Genome Diagnostic Labs from Nijmegen and Maastricht, Radboudumc and MUMC+
Classification: Likely pathogenic. Review status: no assertion criteria provided. Collection method: clinical testing. Allele origin: germline. Affected: yes. Study: VKGL Data-share Consensus. Not counted in ClinVar's aggregate classification.

Laboratory of Diagnostic Genome Analysis, Leiden University Medical Center (LUMC)
Classification: Pathogenic. Review status: no assertion criteria provided. Collection method: clinical testing. Allele origin: germline. Affected: yes. Study: VKGL Data-share Consensus. Not counted in ClinVar's aggregate classification.

NIHR Bioresource Rare Diseases, University of Cambridge
Classification: Likely pathogenic for Rod-cone dystrophy; Intellectual disability; Cerebellar hypoplasia. Review status: no assertion criteria provided. Collection method: research. Allele origin: unknown. Affected: yes. Observed: 1 variant allele. Not counted in ClinVar's aggregate classification.

Literature cited by the submitters: PubMed 26096313 (cited by 8 submitters); PubMed 26166481 (cited by Labcorp Genetics (formerly Invitae), Labcorp); PubMed 26386044 (cited by 4 submitters); PubMed 26026149 (cited by 7 submitters); PubMed 26386247 (cited by 4 submitters); PubMed 26437029 (cited by 3 submitters); PubMed 30120217 (cited by 7 submitters); PubMed 36788019 (cited by Victorian Clinical Genetics Services, Murdoch Childrens Research Institute and Ambry Genetics); PubMed 25807282 (cited by Victorian Clinical Genetics Services, Murdoch Childrens Research Institute and Ambry Genetics); PubMed 32381069 (cited by 3 submitters); PubMed 28832562 (cited by Broad Center for Mendelian Genomics, Broad Institute of MIT and Harvard); PubMed 28497568 (cited by Broad Center for Mendelian Genomics, Broad Institute of MIT and Harvard); PubMed 39033378 (cited by Broad Center for Mendelian Genomics, Broad Institute of MIT and Harvard); PubMed 29068549 (cited by UNC Molecular Genetics  Laboratory, University of North Carolina at Chapel Hill); PubMed 28125082 (cited by UNC Molecular Genetics  Laboratory, University of North Carolina at Chapel Hill); NCBI Bookshelf NBK1325 (cited by GeneReviews); PubMed 20301500 (cited by GeneReviews); PubMed 32581362 (cited by NIHR Bioresource Rare Diseases, University of Cambridge).